The following is an entry in ClinVar:

ClinVar aggregate classification (germline): Uncertain significance (1 of 4 stars; one submission).

Conditions:
Parathyroid carcinoma (PRTC). Also called: Parathyroid gland carcinoma; CDC73-Related Parathyroid Carcinoma. Identifiers: Orphanet 143, MedGen C0687150, MONDO:0012004, OMIM 608266, HP:0006780.

Submission:

Labcorp Genetics (formerly Invitae), Labcorp
Classification: Uncertain significance for Parathyroid carcinoma. Last evaluated: 2021-01-18. Review status: criteria provided, single submitter. Criteria: Invitae Variant Classification Sherloc (09022015). Collection method: clinical testing. Allele origin: germline.
Comment: This sequence change replaces methionine with leucine at codon 522 of the CDC73 protein (p.Met522Leu). The methionine residue is moderately conserved and there is a small physicochemical difference between methionine and leucine. In summary, the available evidence is currently insufficient to determine the role of this variant in disease. Therefore, it has been classified as a Variant of Uncertain Significance. Algorithms developed to predict the effect of missense changes on protein structure and function (SIFT, PolyPhen-2, Align-GVGD) all suggest that this variant is likely to be tolerated, but these predictions have not been confirmed by published functional studies and their clinical significance is uncertain. This variant has not been reported in the literature in individuals with CDC73-related conditions. This variant is not present in population databases (ExAC no frequency).

NM_024529.5(CDC73):c.1564A>T (p.Met522Leu)

Gene: CDC73 (cell division cycle 73; plus strand). Cytogenetic location: 1q31.2.
Variant type: single nucleotide variant.
Coding change: c.1564A>T on transcript NM_024529.5 (MANE Select); coding-DNA position 1564, A replaced by T.
Protein change: p.Met522Leu; replaces methionine 522 with leucine.
Molecular consequence: missense variant.
Genome position (GRCh38, 1-based): chr1:193,250,680, A>T. VCF-style: chr1-193250680-A-T. GRCh37 (hg19) VCF-style: chr1-193219810-A-T.
Other names: short protein forms M522L.
Identifiers: ClinVar variation 1403830 (VCV001403830.8), dbSNP rs751152405, ClinGen allele CA344078686.